The following is an entry in ClinVar:

ClinVar aggregate classification (germline): Conflicting classifications of pathogenicity. Review status: criteria provided, conflicting classifications (1 of 4 stars). 4 submissions from 4 submitters: Uncertain significance (1); Benign (1). 2 of the submissions do not count toward it. Last evaluated 2025-11-24.

Conditions:
Triple-negative breast cancer. Identifiers: MedGen C3539878.
Cholangiocarcinoma. Identifiers: Orphanet 70567, MedGen C0206698, MeSH D018281, MONDO:0019087, HP:0030153.

Allele frequency attached by ClinVar (database versions not stated): 1000 Genomes Project 30x 0.07167; 1000 Genomes Project 0.07308; gnomAD 0.07749; TOPMed 0.08062; ESP Exome Variant Server 0.08765; ExAC 0.08966; gnomAD exomes 0.09690.
gnomAD v4.1: 154,031 of 1,613,808 alleles (9.5%); highest among the groups gnomAD compares: Middle Eastern, 20%; 7,963 homozygotes.

Submissions (4):

Mayo Clinic Laboratories, Mayo Clinic
Classification: Uncertain significance. Last evaluated: 2025-11-24. Review status: criteria provided, single submitter. Criteria: ACMG Guidelines, 2015. Collection method: clinical testing. Allele origin: germline. Observed: 61 variant alleles.
Comment: BP4

ARUP Laboratories, Molecular Genetics and Genomics, ARUP Laboratories
Classification: Benign. Last evaluated: 2025-06-10. Review status: criteria provided, single submitter. Criteria: ARUP Molecular Germline Variant Investigation Process 2024. Collection method: clinical testing. Allele origin: germline.

Hdge Lab, Department of Biotechnology, Mizoram University
Classification: association for Triple-negative breast cancer. Last evaluated: 2026-03-26. Review status: no assertion criteria provided. Collection method: case-control. Allele origin: germline. Affected: yes. Observed: 2 variant alleles. Not counted in ClinVar's aggregate classification.
Comment: Variant identified in a case-control study of breast cancer. Allele frequencies were compared between cases and controls. Significant association observed (BC: OR=1.692, 95% CI=0.135–21.270). Classified as "association" based on limited evidence.

Department of Surgery, Campus Charité Mitte | Campus Virchow-klinikum, Charite-Universitaetsmedizin Berlin
Classification: other for Cholangiocarcinoma. Last evaluated: 2022-12-10. Review status: no assertion criteria provided. Collection method: research. Allele origin: germline. Affected: yes. Not counted in ClinVar's aggregate classification.
Comment: No association with disease-free or overall survival after resection of intrahepatic Cholangiocarcinoma

Literature cited by the submitters: PubMed 12919954 (cited by Mayo Clinic Laboratories, Mayo Clinic); PubMed 22647679 (cited by Mayo Clinic Laboratories, Mayo Clinic); PubMed 24120591 (cited by Mayo Clinic Laboratories, Mayo Clinic); PubMed 18550579 (cited by Department of Surgery, Campus Charité Mitte | Campus Virchow-klinikum, Charite-Universitaetsmedizin Berlin).

NM_001530.4(HIF1A):c.1744C>T (p.Pro582Ser)

Genes: HIF1A (hypoxia inducible factor 1 subunit alpha; plus strand), HIF1A-AS3 (HIF1A antisense RNA 3; minus strand). Cytogenetic location: 14q23.2.
Variant type: single nucleotide variant.
Coding change: c.1744C>T on transcript NM_001530.4 (MANE Select); coding-DNA position 1744, C replaced by T.
Protein change: p.Pro582Ser; replaces proline 582 with serine.
Molecular consequence: missense variant.
Genome position (GRCh38, 1-based): chr14:61,740,839, C>T. VCF-style: chr14-61740839-C-T. GRCh37 (hg19) VCF-style: chr14-62207557-C-T.
Other names: p.Pro582Ser; c.1816C>T, p.Pro606Ser (NM_001243084.2); c.1744C>T, p.Pro582Ser (NM_181054.3); short protein forms P582S, P606S.
Identifiers: ClinVar variation 2571397 (VCV002571397.8), dbSNP rs11549465, ClinGen allele CA7216005.